The following is an entry in ClinVar:

NM_018006.5(TRMU):c.245T>A (p.Phe82Tyr)

Gene: TRMU (tRNA mitochondrial 2-thiouridylase; plus strand). Cytogenetic location: 22q13.31.
Variant type: single nucleotide variant.
Coding change: c.245T>A on transcript NM_018006.5 (MANE Select); coding-DNA position 245, T replaced by A.
Protein change: p.Phe82Tyr; replaces phenylalanine 82 with tyrosine.
Molecular consequence: missense variant. On other transcripts: 5 prime UTR variant (2), non-coding transcript variant (2).
Genome position (GRCh38, 1-based): chr22:46,337,941, T>A. VCF-style: chr22-46337941-T-A. GRCh37 (hg19) VCF-style: chr22-46733838-T-A.
Other names: c.10T>A, p.Ser4Thr (NM_001282782.2); c.-10T>A (NM_001282783.2, NM_001282784.2); c.245T>A, p.Phe82Tyr (NM_001282785.2); short protein forms F82Y, S4T.
Identifiers: ClinVar variation 4887525 (VCV004887525.1).
Genomic context (GRCh38, chr22:46,337,941, plus strand): 5'-AGATCTTAGACATCCCTTTCCATCAAGTGTCCTACGTAAAGGAGTATTGGAATGATGTGT[T>A]CAGGTGAGTGCGGGTCACAGCACAAAGGAAGCTTCCTCACACTGTGGATCCTTGCAGTGG-3'
Protein context (NP_060476.2, residues 72-92): SYVKEYWNDV[Phe82Tyr]SDFLNEYEKG

ClinVar aggregate classification (germline): Uncertain significance (1 of 4 stars; one submission).

Submission:

Women's Health and Genetics/Laboratory Corporation of America, LabCorp
Classification: Uncertain significance. Last evaluated: 2026-06-04. Review status: criteria provided, single submitter. Criteria: LabCorp Variant Classification Summary - May 2015. Collection method: clinical testing. Allele origin: germline.
Comment: Variant summary: TRMU c.245T>A (p.Phe82Tyr) results in a conservative amino acid change in the encoded protein sequence. Algorithms developed to predict the effect of missense changes on protein structure and function are either unavailable or do not agree on the potential impact of this missense change. The variant was absent in 251494 control chromosomes (gnomAD). The available data on variant occurrences in the general population are insufficient to allow any conclusion about variant significance. To our knowledge, no occurrence of c.245T>A in individuals affected with TRMU-related conditions and no experimental evidence demonstrating its impact on protein function have been reported. No submitters have cited clinical-significance assessments for this variant to ClinVar. Based on the evidence outlined above, the variant was classified as uncertain significance.